The following is an entry in ClinVar:

ClinVar aggregate classification (germline): Uncertain significance (1 of 4 stars; one submission).

Submission:

Women's Health and Genetics/Laboratory Corporation of America, LabCorp
Classification: Uncertain significance. Last evaluated: 2025-09-26. Review status: criteria provided, single submitter. Criteria: LabCorp Variant Classification Summary - May 2015. Collection method: clinical testing. Allele origin: germline.
Comment: Variant summary: The variant involves the duplication of exon 90 in the DYNC2H1 gene. A presumed nomenclature of c.(12786+1_12787-1)_(*611_?)dup has been designated for the purposes of this classification. The exact breakpoint at the 3' end of this variant is unknown, therefore this duplication may extend downstream of the annotated region of the gene. As it duplicates the termination codon, its effect on the encoded protein is unknown. The variant was absent in 21694 control chromosomes. The available data on variant occurrences in the general population are insufficient to allow any conclusion about variant significance. To our knowledge, no occurrence of c.(12786+1_12787-1)_(*611_?)dup in individuals affected with DYNC2H1-related conditions and no experimental evidence demonstrating its impact on protein function have been reported. ClinVar contains entries for this variant (Variation ID: 1410114, 831027). Based on the evidence outlined above, the variant was classified as uncertain significance.

NC_000011.9:g.(103339434_103349822)_(103350592_?)dup

Gene: DYNC2H1 (dynein cytoplasmic 2 heavy chain 1; plus strand). Cytogenetic location: 11q22.3.
Variant type: Duplication.
Identifiers: ClinVar variation 4535949 (VCV004535949.1).